The following is an entry in ClinVar:

NM_006218.4(PIK3CA):c.2944_2946del (p.Glu982del)

Gene: PIK3CA (phosphatidylinositol-4,5-bisphosphate 3-kinase catalytic subunit alpha; plus strand). Cytogenetic location: 3q26.32.
Variant type: Deletion.
Coding change: c.2944_2946del on transcript NM_006218.4 (MANE Select); coding-DNA positions 2944 to 2946, 3 bases deleted (GAG; older notation c.2944_2946delGAG).
Protein change: p.Glu982del; deletes glutamic acid 982.
Molecular consequence: inframe deletion. On other transcripts: inframe indel (1).
Genome position (GRCh38, 1-based): chr3:179,234,101-179,234,103, GAG deleted; deleting any 3 consecutive bases within chr3:179,234,099-179,234,103 gives the same sequence; the c. name uses the placement nearest the transcript's 3' end. VCF-style (leftmost placement, unchanged base first): chr3-179234098-CAGG-C. GRCh37 (hg19) VCF-style: chr3-178951886-CAGG-C.
Other names: c.2944_2946delGAG, p.Glu982del (NM_006218.2); short protein forms E982del.
Identifiers: ClinVar variation 3343583 (VCV003343583.1).

ClinVar aggregate classification (germline): Uncertain significance (1 of 4 stars; one submission).

Submission:

GeneDx
Classification: Uncertain significance. Last evaluated: 2024-03-26. Review status: criteria provided, single submitter. Criteria: GeneDx Variant Classification Process June 2021. Collection method: clinical testing. Allele origin: germline. Affected: yes.
Comment: Not observed in large population cohorts (gnomAD); In-frame deletion of 1 amino acid in a non-repeat region; In silico analysis supports a deleterious effect on protein structure/function; Has not been previously published as pathogenic or benign to our knowledge